The following is an entry in ClinVar:

NM_006005.3(WFS1):c.887T>C (p.Ile296Thr)

Gene: WFS1 (wolframin ER transmembrane glycoprotein; plus strand). Cytogenetic location: 4p16.1.
Variant type: single nucleotide variant.
Coding change: c.887T>C on transcript NM_006005.3 (MANE Select); coding-DNA position 887, T replaced by C.
Protein change: p.Ile296Thr; replaces isoleucine 296 with threonine.
Molecular consequence: missense variant.
Genome position (GRCh38, 1-based): chr4:6,300,682, T>C. VCF-style: chr4-6300682-T-C. GRCh37 (hg19) VCF-style: chr4-6302409-T-C.
Other names: c.887T>C, p.Ile296Thr (NM_001145853.1); short protein forms I296T.
Identifiers: ClinVar variation 2781305 (VCV002781305.4), dbSNP rs1275082986, ClinGen allele CA356173817.
Genomic context (GRCh38, chr4:6,300,682, plus strand): 5'-CCCAGCCTCGTTCCCACGTACCATCTTTCCCCCAGGTGGTCAAGTACCCCCTGCACGCCA[T>C]CATGGAGATCAAGGAGTACCTGATTGACATGGCCTCCAGGGCAGGCATGCACTGGCTGTC-3'
Protein context (NP_005996.2, residues 286-306): LKVVKYPLHA[Ile296Thr]MEIKEYLIDM

ClinVar aggregate classification (germline): Uncertain significance. Review status: criteria provided, multiple submitters, no conflicts (2 of 4 stars). 2 submissions from 2 submitters: Uncertain significance (2). Last evaluated 2024-01-14.

Conditions:
Autosomal dominant nonsyndromic hearing loss 6 (LFSNHL). Also called: DEAFNESS, AUTOSOMAL DOMINANT 6; DEAFNESS, AUTOSOMAL DOMINANT 14; DEAFNESS, AUTOSOMAL DOMINANT 38; Autosomal dominant nonsyndromic deafness 6. Identifiers: Orphanet 90635, MedGen C1833021, MONDO:0010963, OMIM 600965.
Wolfram-like syndrome. Also called: HEARING LOSS, PROGRESSIVE, WITH OPTIC ATROPHY AND/OR IMPAIRED GLUCOSE REGULATION. Identifiers: Orphanet 411590, MedGen C3280358, MONDO:0013673, OMIM 614296.
Type 2 diabetes mellitus. Also called: Type II diabetes mellitus. Identifiers: MedGen C0011860, MeSH D003924, MONDO:0005148, OMIM 125853, HP:0005978.
Wolfram syndrome 1 (WFS1). Identifiers: Orphanet 3463, MedGen C4551693, MONDO:0009101, OMIM 222300.
Cataract 41 (CTRCT41). Also called: CATARACT 41, CONGENITAL NUCLEAR TYPE. Identifiers: Orphanet 91492, Orphanet 98991, Orphanet 98992, Orphanet 98995, MedGen C3805412, MONDO:0007287, OMIM 116400.

Allele frequency attached by ClinVar (database versions not stated): gnomAD exomes below 0.00001; TOPMed 0.00001.

Submissions (2):

Labcorp Genetics (formerly Invitae), Labcorp
Classification: Uncertain significance. Last evaluated: 2024-01-14. Review status: criteria provided, single submitter. Criteria: Invitae Variant Classification Sherloc (09022015). Collection method: clinical testing. Allele origin: germline.
Comment: This sequence change replaces isoleucine, which is neutral and non-polar, with threonine, which is neutral and polar, at codon 296 of the WFS1 protein (p.Ile296Thr). This variant is not present in population databases (gnomAD no frequency). This variant has not been reported in the literature in individuals affected with WFS1-related conditions. Advanced modeling of protein sequence and biophysical properties (such as structural, functional, and spatial information, amino acid conservation, physicochemical variation, residue mobility, and thermodynamic stability) performed at Invitae indicates that this missense variant is not expected to disrupt WFS1 protein function with a negative predictive value of 95%. In summary, the available evidence is currently insufficient to determine the role of this variant in disease. Therefore, it has been classified as a Variant of Uncertain Significance.

Fulgent Genetics
Classification: Uncertain significance for Cataract 41; Type 2 diabetes mellitus; Wolfram syndrome 1; Autosomal dominant nonsyndromic hearing loss 6; Wolfram-like syndrome. Last evaluated: 2024-01-02. Review status: criteria provided, single submitter. Criteria: ACMG Guidelines, 2015. Collection method: clinical testing. Allele origin: germline.